The following is an entry in ClinVar:

NM_138615.3(DHX30):c.2453A>C (p.Asn818Thr)

Gene: DHX30 (DExH-box helicase 30; plus strand). Cytogenetic location: 3p21.31.
Variant type: single nucleotide variant.
Coding change: c.2453A>C on transcript NM_138615.3 (MANE Select); coding-DNA position 2453, A replaced by C.
Protein change: p.Asn818Thr; replaces asparagine 818 with threonine.
Molecular consequence: missense variant.
Genome position (GRCh38, 1-based): chr3:47,848,346, A>C. VCF-style: chr3-47848346-A-C. GRCh37 (hg19) VCF-style: chr3-47889836-A-C.
Other names: c.2369A>C, p.Asn790Thr (NM_001330990.2); c.2336A>C, p.Asn779Thr (NM_014966.4); short protein forms N779T, N790T, N818T.
Identifiers: ClinVar variation 2505764 (VCV002505764.2), dbSNP rs2549297295, ClinGen allele CA352590792.

ClinVar aggregate classification (germline): Uncertain significance (1 of 4 stars; one submission).

Submission:

GeneDx
Classification: Uncertain significance. Last evaluated: 2024-09-18. Review status: criteria provided, single submitter. Criteria: GeneDx Variant Classification Process June 2021. Collection method: clinical testing. Allele origin: germline. Affected: yes.
Comment: Not observed at significant frequency in large population cohorts (gnomAD); In silico analysis indicates that this missense variant does not alter protein structure/function; Has not been previously published as pathogenic or benign to our knowledge